The following is an entry in ClinVar:

NM_020717.5(SHROOM4):c.2502C>T (p.Asp834=)

Gene: SHROOM4 (shroom family member 4; minus strand). Cytogenetic location: Xp11.22.
Variant type: single nucleotide variant.
Coding change: c.2502C>T on transcript NM_020717.5 (MANE Select); coding-DNA position 2502, C replaced by T.
Protein change: p.Asp834=; no amino-acid change (aspartic acid 834 retained).
Molecular consequence: synonymous variant. On other transcripts: non-coding transcript variant (4).
Genome position (GRCh38, 1-based): chrX:50,633,571, G>A on the plus strand (C>T on the coding strand, the complement: SHROOM4 is on the minus strand). VCF-style: chrX-50633571-G-A. GRCh37 (hg19) VCF-style: chrX-50376571-G-A.
Identifiers: ClinVar variation 3048828 (VCV003048828.2), dbSNP rs531622379, ClinGen allele CA10416112.

ClinVar aggregate classification (germline): Benign (0 of 4 stars; one submission).

Conditions:
SHROOM4-related disorder. Also called: SHROOM4-related condition.

Allele frequency attached by ClinVar (database versions not stated): gnomAD exomes 0.00008; gnomAD 0.00016; TOPMed 0.00023; ExAC 0.00048; 1000 Genomes Project 0.00079; 1000 Genomes Project 30x 0.00083.
gnomAD v4.1: 126 of 1,210,063 alleles (0.01%); highest among the groups gnomAD compares: East Asian, 0.29%; no homozygotes.

Submission:

PreventionGenetics, part of Exact Sciences
Classification: Benign for SHROOM4-related condition. Last evaluated: 2019-12-16. Review status: no assertion criteria provided. Collection method: clinical testing. Allele origin: germline.
Comment: This variant is classified as benign based on ACMG/AMP sequence variant interpretation guidelines (Richards et al. 2015 PMID: 25741868, with internal and published modifications).